The following is an entry in ClinVar:

NM_018105.3(THAP1):c.*1157A>G

Gene: THAP1 (THAP domain containing 1; minus strand). Cytogenetic location: 8p11.21.
Variant type: single nucleotide variant.
Coding change: c.*1157A>G on transcript NM_018105.3 (MANE Select); 1157 bases downstream of the stop codon, A replaced by G.
Molecular consequence: 3 prime UTR variant.
Genome position (GRCh38, 1-based): chr8:42,836,805, T>C on the plus strand (A>G on the coding strand, the complement: THAP1 is on the minus strand). VCF-style: chr8-42836805-T-C. GRCh37 (hg19) VCF-style: chr8-42691948-T-C.
Other names: c.*1441A>G (NM_199003.2).
Identifiers: ClinVar variation 363108 (VCV000363108.5), dbSNP rs142802423, ClinGen allele CA10631117.
Genomic context (GRCh38, chr8:42,836,805, plus strand): 5'-AATATAAAAGTAATAATTATCATTGGAACAGTTATTCTAAATCTAAAAAGATAACTCCCA[T>C]AGCAATATTTGTTTACTCAGAACATATTTTCACTTCCAATATATGTAAAATTTCTCACAA-3'

ClinVar aggregate classification (germline): Benign (1 of 4 stars; one submission).

Conditions:
Torsion dystonia 6 (DYT6). Also called: DYT-THAP1. Identifiers: Orphanet 98806, MedGen C1414216, MONDO:0011264, OMIM 602629.

Allele frequency attached by ClinVar (database versions not stated): gnomAD 0.00504 and 0.00549; TOPMed 0.00607; 1000 Genomes Project 30x 0.00609; 1000 Genomes Project 0.00639.

Submission:

Illumina Laboratory Services, Illumina
Classification: Benign for Torsion dystonia 6. Last evaluated: 2018-01-13. Review status: criteria provided, single submitter. Criteria: ICSL Variant Classification Criteria 13 December 2019. Collection method: clinical testing. Allele origin: germline.
Comment: This variant was observed in the ICSL laboratory as part of a predisposition screen in an ostensibly healthy population. It had not been previously curated by ICSL or reported in the Human Gene Mutation Database (HGMD: prior to June 1st, 2018), and was therefore a candidate for classification through an automated scoring system. Utilizing variant allele frequency, disease prevalence and penetrance estimates, and inheritance mode, an automated score was calculated to assess if this variant is too frequent to cause the disease. Based on the score and internal cut-off values, a variant classified as benign is not then subjected to further curation. The score for this variant resulted in a classification of benign for this disease.